The following is an entry in ClinVar:

NM_002878.4(RAD51D):c.761A>T (p.Asp254Val)

Genes: RAD51L3-RFFL (RAD51L3-RFFL readthrough; minus strand), RAD51D (RAD51 paralog D; minus strand). Cytogenetic location: 17q12.
Variant type: single nucleotide variant.
Coding change: c.761A>T on transcript NM_002878.4 (MANE Select); coding-DNA position 761, A replaced by T.
Protein change: p.Asp254Val; replaces aspartic acid 254 with valine.
Molecular consequence: missense variant. On other transcripts: non-coding transcript variant (3).
Genome position (GRCh38, 1-based): chr17:35,101,343, T>A on the plus strand (A>T on the coding strand, the complement: RAD51D is on the minus strand). VCF-style: chr17-35101343-T-A. GRCh37 (hg19) VCF-style: chr17-33428362-T-A.
Other names: c.821A>T, p.Asp274Val (NM_001142571.2); c.425A>T, p.Asp142Val (NM_133629.3); short protein forms D254V, D274V, D142V.
Identifiers: ClinVar variation 490145 (VCV000490145.6), dbSNP rs1555567178, ClinGen allele CA399086950.

ClinVar aggregate classification (germline): Uncertain significance (1 of 4 stars; one submission).

Conditions:
Hereditary cancer-predisposing syndrome. Also called: Hereditary Cancer Syndrome; Neoplastic Syndromes, Hereditary; Tumor predisposition; Hereditary neoplastic syndrome. Identifiers: Orphanet 140162, MedGen C0027672, MeSH D009386, MONDO:0015356.

Submission:

Color Diagnostics, LLC DBA Color Health
Classification: Uncertain significance for Hereditary cancer-predisposing syndrome. Last evaluated: 2023-12-05. Review status: criteria provided, single submitter. Criteria: ACMG Guidelines, 2015. Collection method: clinical testing. Allele origin: germline.
Comment: This missense variant replaces aspartic acid with valine at codon 254 of the RAD51D protein. Computational prediction suggests that this variant may not impact protein structure and function (internally defined REVEL score threshold <= 0.5, PMID: 27666373). To our knowledge, functional studies have not been reported for this variant. This variant has not been reported in individuals affected with RAD51D-related disorders in the literature. This variant has not been identified in the general population by the Genome Aggregation Database (gnomAD). The available evidence is insufficient to determine the role of this variant in disease conclusively. Therefore, this variant is classified as a Variant of Uncertain Significance.